The following is an entry in ClinVar:

NM_032756.4(HPDL):c.1036del (p.Ala346fs)

Gene: HPDL (4-hydroxyphenylpyruvate dioxygenase like; plus strand). Cytogenetic location: 1p34.1.
Variant type: Deletion.
Coding change: c.1036del on transcript NM_032756.4 (MANE Select); coding-DNA position 1036, one base deleted (G; older notation c.1036delG).
Protein change: p.Ala346fs; shifts the reading frame from alanine 346.
Molecular consequence: frameshift variant.
Genome position (GRCh38, 1-based): chr1:45,328,184, G deleted; the last of 5 consecutive G bases (chr1:45,328,180-45,328,184); deleting any one gives the same sequence. VCF-style (leftmost placement, unchanged base first): chr1-45328179-AG-A. GRCh37 (hg19) VCF-style: chr1-45793851-AG-A.
Other names: short protein forms A346fs.
Identifiers: ClinVar variation 3383470 (VCV003383470.3).

ClinVar aggregate classification (germline): Conflicting classifications of pathogenicity. Review status: criteria provided, conflicting classifications (1 of 4 stars). 2 submissions from 2 submitters: Likely pathogenic (1); Uncertain significance (1). Last evaluated 2025-12-08.

Submissions (2):

Dasa
Classification: Uncertain significance. Last evaluated: 2025-12-08. Review status: criteria provided, single submitter. Criteria: DASA Assertion Criteria. Collection method: clinical testing. Allele origin: germline.
Comment: NM_032756.4(HPDL):c.1036del (p.Ala346Profs*67) is a frameshift variant in HPDL predicted to alter the reading frame and introduce a premature termination codon and is predicted to result in an absent or altered protein product. This variant is rare in population databases. The currently available literature and clinical evidence are not sufficient to establish a definitive association between this variant and the reported condition. Therefore, this variant is classified as a variant of uncertain significance.

GeneDx
Classification: Likely pathogenic. Last evaluated: 2024-05-30. Review status: criteria provided, single submitter. Criteria: GeneDx Variant Classification Process June 2021. Collection method: clinical testing. Allele origin: germline. Affected: yes.
Comment: Frameshift variant predicted to result in abnormal protein length as the last 26 amino acids are replaced with 66 different amino acids, and other similar variants have been reported in HGMD; Not observed at significant frequency in large population cohorts (gnomAD); Has not been previously published as pathogenic or benign to our knowledge